The following is an entry in ClinVar:

NM_005612.5(REST):c.2458_2463del (p.Lys820_Lys821del)

Gene: REST (RE1 silencing transcription factor; plus strand). Cytogenetic location: 4q12.
Variant type: Deletion.
Coding change: c.2458_2463del on transcript NM_005612.5 (MANE Select); coding-DNA positions 2458 to 2463, 6 bases deleted (AAAAAG; older notation c.2458_2463delAAAAAG).
Protein change: p.Lys820_Lys821del.
Molecular consequence: inframe deletion.
Genome position (GRCh38, 1-based): chr4:56,931,316-56,931,321, AAAAAG deleted. VCF-style (leftmost placement, unchanged base first): chr4-56931315-TAAAAAG-T. GRCh37 (hg19) VCF-style: chr4-57797481-TAAAAAG-T.
Other names: c.2458_2463del, p.Lys820_Lys821del (NM_001193508.2, NM_001363453.3); c.2374_2379del, p.Lys792_Lys793del (NM_001440532.1, NM_001440533.1).
Identifiers: ClinVar variation 4980685 (VCV004980685.1).

ClinVar aggregate classification (germline): Uncertain significance (1 of 4 stars; one submission).

Conditions:
REST-related disorder. Also called: REST-related condition.

Submission:

PreventionGenetics, part of Exact Sciences
Classification: Uncertain significance for REST-related condition. Last evaluated: 2025-04-11. Review status: criteria provided, single submitter. Criteria: ACMG Guidelines, 2015. Collection method: clinical testing. Allele origin: germline.
Comment: The REST c.2458_2463del6 variant is predicted to result in an in-frame deletion (p.Lys820_Lys821del). To our knowledge, this variant has not been reported in the literature. This variant is reported in 0.00088% of alleles in individuals of European (Non-Finnish) descent in gnomAD. At this time, the clinical significance of this variant is uncertain due to the absence of conclusive functional and genetic evidence.